The following is an entry in ClinVar:

ClinVar aggregate classification (germline): Benign/Likely benign. Review status: criteria provided, multiple submitters, no conflicts (2 of 4 stars). 7 submissions from 7 submitters: Benign (1); Likely benign (5). 1 of the submissions does not count toward it. Last evaluated 2025-12-17.

Conditions:
Lynch syndrome 5 (LYNCH5). Also called: Colorectal cancer, hereditary nonpolyposis, type 5; Hereditary non-polyposis colorectal cancer, type 5. Identifiers: Orphanet 144, MedGen C1833477, MONDO:0013710, OMIM 614350. Disease mechanism: loss of function.
MSH6-related disorder. Also called: MSH6-related condition; MSH6-Related disorders.
Hereditary cancer-predisposing syndrome. Also called: Neoplastic Syndromes, Hereditary; Tumor predisposition; Hereditary Cancer Syndrome; Hereditary neoplastic syndrome. Identifiers: Orphanet 140162, MedGen C0027672, MeSH D009386, MONDO:0015356.
Hereditary nonpolyposis colorectal neoplasms. Identifiers: MedGen C0009405, MeSH D003123.
Lynch syndrome. Identifiers: Orphanet 144, MedGen C4552100, MONDO:0005835. Disease mechanism: loss of function.

Allele frequency attached by ClinVar (database versions not stated): gnomAD exomes below 0.00001; ExAC 0.00001; TOPMed 0.00003; gnomAD 0.00004.
gnomAD v4.1: 5 of 1,613,824 alleles (0.00031%); highest among the groups gnomAD compares: African/African-American, 0.0053%; no homozygotes.

Submissions (7):

Labcorp Genetics (formerly Invitae), Labcorp
Classification: Likely benign for Hereditary nonpolyposis colorectal neoplasms. Last evaluated: 2025-12-17. Review status: criteria provided, single submitter. Criteria: Invitae Variant Classification Sherloc (09022015). Collection method: clinical testing. Allele origin: germline.

Myriad Genetics, Inc.
Classification: Benign for Lynch syndrome 5. Last evaluated: 2025-01-08. Review status: criteria provided, single submitter. Criteria: Myriad Autosomal Dominant, Autosomal Recessive and X-Linked Classification Criteria (2023). Collection method: clinical testing. Allele origin: unknown.
Comment: This variant is considered benign. This variant is a silent/synonymous amino acid change and it is not expected to impact splicing.

All of Us Research Program, National Institutes of Health
Classification: Likely benign for Lynch syndrome. Last evaluated: 2023-08-15. Review status: criteria provided, single submitter. Criteria: ACMG Guidelines, 2015. Collection method: clinical testing. Allele origin: germline. Inheritance: Autosomal dominant inheritance. Observed: 1 variant allele, 1 heterozygote.
Comment: This study involves interpretation of variants in research participants for the purpose of population health screening. Participant phenotype was not available at the time of variant classification. Additional details can be found in publication PMID: 35346344, PMCID: PMC8962531

Quest Diagnostics Nichols Institute San Juan Capistrano
Classification: Likely benign. Last evaluated: 2020-04-21. Review status: criteria provided, single submitter. Criteria: Quest Diagnostics criteria. Collection method: clinical testing. Allele origin: unknown.

Color Diagnostics, LLC DBA Color Health
Classification: Likely benign for Hereditary cancer-predisposing syndrome. Last evaluated: 2016-12-06. Review status: criteria provided, single submitter. Criteria: ACMG Guidelines, 2015. Collection method: clinical testing. Allele origin: germline.

Ambry Genetics
Classification: Likely benign for Hereditary cancer-predisposing syndrome. Last evaluated: 2015-07-18. Review status: criteria provided, single submitter. Criteria: Ambry Variant Classification Scheme 2023. Collection method: clinical testing. Allele origin: germline.

PreventionGenetics, part of Exact Sciences
Classification: Likely benign for MSH6-related condition. Last evaluated: 2022-06-02. Review status: no assertion criteria provided. Collection method: clinical testing. Allele origin: germline. Not counted in ClinVar's aggregate classification.
Comment: This variant is classified as likely benign based on ACMG/AMP sequence variant interpretation guidelines (Richards et al. 2015 PMID: 25741868, with internal and published modifications).

NM_000179.3(MSH6):c.3807C>T (p.Cys1269=)

Gene: MSH6 (mutS homolog 6; plus strand). Cytogenetic location: 2p16.3.
Variant type: single nucleotide variant.
Coding change: c.3807C>T on transcript NM_000179.3 (MANE Select); coding-DNA position 3807, C replaced by T.
Protein change: p.Cys1269=; no amino-acid change (cysteine 1269 retained).
Molecular consequence: synonymous variant.
Genome position (GRCh38, 1-based): chr2:47,806,457, C>T. VCF-style: chr2-47806457-C-T. GRCh37 (hg19) VCF-style: chr2-48033596-C-T.
Other names: c.3417C>T, p.Cys1139= (NM_001281492.2); c.2901C>T, p.Cys967= (NM_001281493.2, NM_001281494.2).
Identifiers: ClinVar variation 233143 (VCV000233143.23), dbSNP rs747924946, ClinGen allele CA072159.